The following is an entry in ClinVar:

ClinVar aggregate classification (germline): Uncertain significance (1 of 4 stars; one submission).

Conditions:
Rhabdoid tumor predisposition syndrome 2 (RTPS2). Identifiers: Orphanet 231108, Orphanet 69077, MedGen C2750074, MONDO:0013224, OMIM 613325.

Submission:

Labcorp Genetics (formerly Invitae), Labcorp
Classification: Uncertain significance for Rhabdoid tumor predisposition syndrome 2. Last evaluated: 2025-06-28. Review status: criteria provided, single submitter. Criteria: Invitae Variant Classification Sherloc (09022015). Collection method: clinical testing. Allele origin: germline.
Comment: This variant, c.4384_4386del, results in the deletion of 1 amino acid(s) of the SMARCA4 protein (p.Ser1462del), but otherwise preserves the integrity of the reading frame. This variant is not present in population databases (gnomAD no frequency). This variant has not been reported in the literature in individuals affected with SMARCA4-related conditions. ClinVar contains an entry for this variant (Variation ID: 2695570). Experimental studies and prediction algorithms are not available or were not evaluated, and the functional significance of this variant is currently unknown. In summary, the available evidence is currently insufficient to determine the role of this variant in disease. Therefore, it has been classified as a Variant of Uncertain Significance.

NM_003072.5(SMARCA4):c.4288_4290del (p.Ser1430del)

Gene: SMARCA4 (SWI/SNF related BAF chromatin remodeling complex subunit ATPase 4; plus strand). Cytogenetic location: 19p13.2.
Variant type: Deletion.
Coding change: c.4288_4290del on transcript NM_003072.5 (MANE Select); coding-DNA positions 4288 to 4290, 3 bases deleted (AGC; older notation c.4288_4290delAGC).
Protein change: p.Ser1430del; deletes serine 1430.
Molecular consequence: inframe deletion. On other transcripts: non-coding transcript variant (1).
Genome position (GRCh38, 1-based): chr19:11,041,424-11,041,426, AGC deleted; deleting any 3 consecutive bases within chr19:11,041,422-11,041,426 gives the same sequence; the c. name uses the placement nearest the transcript's 3' end. VCF-style (leftmost placement, unchanged base first): chr19-11041421-CGCA-C. GRCh37 (hg19) VCF-style: chr19-11152097-CGCA-C.
Other names: c.4384_4386del, p.Ser1462del (NM_001128849.3, NM_001387283.1); c.4189_4191del, p.Ser1397del (NM_001374457.1, NM_001128847.4, NM_001128848.2); c.4285_4287del, p.Ser1429del (NM_001411150.1); c.4288_4290del, p.Ser1430del (NM_001128844.3); c.4198_4200del, p.Ser1400del (NM_001128845.2, NM_001128846.2); short protein forms S1430del, S1397del, S1400del, S1429del, S1462del.
Identifiers: ClinVar variation 2695570 (VCV002695570.3), dbSNP rs2515491194, ClinGen allele CA2697556286.
Genomic context (GRCh38, chr19:11,041,421, plus strand): 5'-TCATCACGGAAGCGCAAGCGAGACAGCGACGCCGGCTCCTCCACCCCGACCACCAGCACC[CGCA>C]GCCGCGACAAGGACGACGAGAGCAAGAAGCAGAAGAAGCGCGGGCGGCCGCCTGCCGAGA-3'